The following is an entry in ClinVar:

NM_000275.3(OCA2):c.1086AGCACTGGC[1] (p.363ALA[1])

Gene: OCA2 (OCA2 melanosomal transmembrane protein; minus strand). Cytogenetic location: 15q13.1.
Variant type: Microsatellite.
Coding change: c.1086AGCACTGGC[1] on transcript NM_000275.3 (MANE Select); one copy of the 9-base unit AGCACTGGC starting at c.1086; the reference has two copies in a row; one copy, 9 bases deleted; also written c.1095_1103del.
Protein change: p.363ALA[1].
Molecular consequence: inframe deletion. On other transcripts: intron variant (1).
Genome position (GRCh38, 1-based): chr15:27,990,589-27,990,597, GCCAGTGCT deleted on the plus strand (AGCACTGGC on the coding strand, the reverse complement: OCA2 is on the minus strand); deleting any 9 consecutive bases within chr15:27,990,589-27,990,608 gives the same sequence; the position shown is the placement nearest the transcript's 3' end. VCF-style (leftmost placement, unchanged base first): chr15-27990588-AGCCAGTGCT-A. GRCh37 (hg19) VCF-style: chr15-28235734-AGCCAGTGCT-A.
Other names: c.1045-931_1045-923del (NM_001300984.2); c.1095_1103del (NM_000275.3); c.1095_1103del9 (NM_000275.2).
Identifiers: ClinVar variation 2152220 (VCV002152220.7), dbSNP rs1263195991, ClinGen allele CA711738426.
Genomic context (GRCh38, chr15:27,990,588, plus strand): 5'-GACATCCCACTGAGTGGTAAGCCAGGGATTGGGACTGTGACAACTTACATCGCCAATCAC[AGCCAGTGCT>A]GCCAGTGCTGCAAGGGAACCCAGCATGGCCGCCAGAGTTCTGTGCACGATCTGGAAAGAA-3'

ClinVar aggregate classification (germline): Pathogenic/Likely pathogenic. Review status: criteria provided, multiple submitters, no conflicts (2 of 4 stars). 4 submissions from 4 submitters: Pathogenic (1); Likely pathogenic (3). Last evaluated 2025-12-16.

Conditions:
OCA2-related disorder. Also called: OCA2-related condition.
Tyrosinase-positive oculocutaneous albinism (OCA2). Also called: ALBINISM II; Albinism, oculocutaneous, type II; Oculocutaneous albinism type 2. Identifiers: Orphanet 79432, MedGen C0268495, MONDO:0008746, OMIM 203200.
SKIN/HAIR/EYE PIGMENTATION 1, BLUE/NONBLUE EYES (SHEP1). Also called: BROWN EYE COLOR 2; EYE COLOR 3; EYE COLOR, BLUE/NONBLUE; EYE COLOR, BROWN/BLUE; HAIR COLOR 3; SKIN/HAIR/EYE PIGMENTATION 1, BLOND/BROWN HAIR. Identifiers: MedGen C1856895, OMIM 227220.

Submissions (4):

PreventionGenetics, part of Exact Sciences
Classification: Likely pathogenic for OCA2-related condition. Last evaluated: 2025-12-16. Review status: criteria provided, single submitter. Criteria: ACMG Guidelines, 2015. Collection method: clinical testing. Allele origin: germline.
Comment: The OCA2 c.1095_1103del9 variant is predicted to result in an in-frame deletion (p.Ala366_Ala368del). This variant has been reported in the compound heterozygous state in multiple individuals with oculocutaneous albinism (Table S3, Lasseaux et al. 2018. PubMed ID: 29345414; Michaud et al. 2023. PubMed ID: 37650133). An alternate variant that causes an amino acid substitution within this same set of amino acids (p.Ala368Val) has also been reported in individuals with oculocutaneous albinism (Oetting et al. 1998. PubMed ID: 10671067). This variant is absent in a large population database (gnomAD), indicating this variant is rare. This variant is interpreted as likely pathogenic.

Fulgent Genetics
Classification: Likely pathogenic for Tyrosinase-positive oculocutaneous albinism; SKIN/HAIR/EYE PIGMENTATION 1, BLUE/NONBLUE EYES. Last evaluated: 2023-12-27. Review status: criteria provided, single submitter. Criteria: ACMG Guidelines, 2015. Collection method: clinical testing. Allele origin: germline.

Labcorp Genetics (formerly Invitae), Labcorp
Classification: Pathogenic. Last evaluated: 2023-07-14. Review status: criteria provided, single submitter. Criteria: Invitae Variant Classification Sherloc (09022015). Collection method: clinical testing. Allele origin: germline.
Comment: This variant is also known as p.V366*. This variant has been observed in individuals with oculocutaneous albinism (PMID: 29345414, 31199599). This variant is not present in population databases (gnomAD no frequency). This variant, c.1095_1103del, results in the deletion of 3 amino acid(s) of the OCA2 protein (p.Ala366_Ala368del), but otherwise preserves the integrity of the reading frame. For these reasons, this variant has been classified as Pathogenic. This variant disrupts a region of the OCA2 protein in which other variant(s) (p.Ala368Val) have been determined to be pathogenic (PMID: 28451379; Invitae). This suggests that this is a clinically significant region of the protein, and that variants that disrupt it are likely to be disease-causing.

Laboratoire de Génétique Moléculaire, CHU Bordeaux
Classification: Likely pathogenic for Tyrosinase-positive oculocutaneous albinism. Review status: criteria provided, single submitter. Criteria: ACMG Guidelines, 2015. Collection method: clinical testing. Allele origin: germline. Affected: yes.

Literature cited by the submitters: PubMed 29345414 (cited by Labcorp Genetics (formerly Invitae), Labcorp); PubMed 31199599 (cited by Labcorp Genetics (formerly Invitae), Labcorp); PubMed 28451379 (cited by Labcorp Genetics (formerly Invitae), Labcorp).